The following is an entry in ClinVar:

ClinVar aggregate classification (germline): Uncertain significance. Review status: criteria provided, multiple submitters, no conflicts (2 of 4 stars). 2 submissions from 2 submitters: Uncertain significance (2). Last evaluated 2026-04-07.

Conditions:
Frontotemporal dementia (FTD1). Also called: FRONTOTEMPORAL DEMENTIA WITH PARKINSONISM; FRONTOTEMPORAL LOBE DEMENTIA; FRONTOTEMPORAL LOBAR DEGENERATION WITH TAU INCLUSIONS; FTLD WITH TAU INCLUSIONS; Frontotemporal Dementia with Parkinsonism-17 (FTDP-17); MULTIPLE SYSTEM TAUOPATHY WITH PRESENILE DEMENTIA. Identifiers: Orphanet 282, MedGen C0338451, MONDO:0017276, OMIM 600274, HP:0002145.

gnomAD v4.1: 1 of 1,614,108 alleles (0.000062%); highest among the groups gnomAD compares: South Asian, 0.0011%; no homozygotes.

Submissions (2):

Women's Health and Genetics/Laboratory Corporation of America, LabCorp
Classification: Uncertain significance. Last evaluated: 2026-04-07. Review status: criteria provided, single submitter. Criteria: LabCorp Variant Classification Summary - May 2015. Collection method: clinical testing. Allele origin: germline.
Comment: Variant summary: MAPT c.179G>T (p.Gly60Val) results in a non-conservative amino acid change in the encoded protein sequence. Algorithms developed to predict the effect of missense changes on protein structure and function are either unavailable or do not agree on the potential impact of this missense change. The variant allele was found at a frequency of 4e-06 in 251380 control chromosomes. The available data on variant occurrences in the general population are insufficient to allow any conclusion about variant significance. To our knowledge, no occurrence of c.179G>T in individuals affected with MAPT-related conditions and no experimental evidence demonstrating its impact on protein function have been reported. ClinVar contains an entry for this variant (Variation ID: 3694926). Based on the evidence outlined above, the variant was classified as uncertain significance.

Labcorp Genetics (formerly Invitae), Labcorp
Classification: Uncertain significance for Frontotemporal dementia. Last evaluated: 2024-11-13. Review status: criteria provided, single submitter. Criteria: Invitae Variant Classification Sherloc (09022015). Collection method: clinical testing. Allele origin: germline.
Comment: This sequence change replaces glycine, which is neutral and non-polar, with valine, which is neutral and non-polar, at codon 60 of the MAPT protein (p.Gly60Val). The frequency data for this variant in the population databases is considered unreliable, as metrics indicate poor data quality at this position in the gnomAD database. This variant has not been reported in the literature in individuals affected with MAPT-related conditions. An algorithm developed to predict the effect of missense changes on protein structure and function outputs the following: PolyPhen-2: "Benign". The valine amino acid residue is found in multiple mammalian species, which suggests that this missense change does not adversely affect protein function. In summary, the available evidence is currently insufficient to determine the role of this variant in disease. Therefore, it has been classified as a Variant of Uncertain Significance.

NM_001377265.1(MAPT):c.179G>T (p.Gly60Val)

Gene: MAPT (microtubule associated protein tau). Cytogenetic location: 17q21.31.
Variant type: single nucleotide variant.
Coding change: c.179G>T on transcript NM_001377265.1 (MANE Select); coding-DNA position 179, G replaced by T.
Protein change: p.Gly60Val; replaces glycine 60 with valine.
Molecular consequence: missense variant. On other transcripts: non-coding transcript variant (1), intron variant (3).
Genome position (GRCh38, 1-based): chr17:45,971,904, G>T. VCF-style: chr17-45971904-G-T. GRCh37 (hg19) VCF-style: chr17-44049270-G-T.
Other names: c.179G>T, p.Gly60Val (NM_001123066.4, NM_001123067.4, NM_001203251.2 and 5 more transcripts); c.134-6471G>T (NM_001377268.1, NM_016834.5, NM_016841.5); short protein forms G60V.
Identifiers: ClinVar variation 3694926 (VCV003694926.3).
Genomic context (GRCh38, chr17:45,971,904, plus strand): 5'-CTGTATGTGTTCCAGAATCTCCCCTGCAGACCCCCACTGAGGACGGATCTGAGGAACCGG[G>T]CTCTGAAACCTCTGATGCTAAGAGCACTCCAACAGCGGAAGGTGGGCCCCCCTTCAGACG-3'
Protein context (NP_001364194.1, residues 50-70): TPTEDGSEEP[Gly60Val]SETSDAKSTP